The following is an entry in ClinVar:

NM_006218.4(PIK3CA):c.2187+4T>C

Gene: PIK3CA (phosphatidylinositol-4,5-bisphosphate 3-kinase catalytic subunit alpha; plus strand). Cytogenetic location: 3q26.32.
Variant type: single nucleotide variant.
Coding change: c.2187+4T>C on transcript NM_006218.4 (MANE Select); 4 bases into the intron after coding-DNA position 2187, T replaced by C.
Molecular consequence: intron variant.
Genome position (GRCh38, 1-based): chr3:179,221,161, T>C. VCF-style: chr3-179221161-T-C. GRCh37 (hg19) VCF-style: chr3-178938949-T-C.
Identifiers: ClinVar variation 2107719 (VCV002107719.4), dbSNP rs2108413968, ClinGen allele CA2580069099.

ClinVar aggregate classification (germline): Uncertain significance (1 of 4 stars; one submission).

Conditions:
Cowden syndrome (CS). Also called: Cowden's disease; Cowden's syndrome; Cowden disease. Identifiers: Orphanet 201, MedGen C0018553, MONDO:0016063. Disease mechanism: gain of function.

gnomAD v4.1: 1 of 1,610,168 alleles (0.000062%); no homozygotes.

Submission:

Labcorp Genetics (formerly Invitae), Labcorp
Classification: Uncertain significance for Cowden syndrome. Last evaluated: 2022-03-11. Review status: criteria provided, single submitter. Criteria: Invitae Variant Classification Sherloc (09022015). Collection method: clinical testing. Allele origin: germline.
Comment: This sequence change falls in intron 14 of the PIK3CA gene. It does not directly change the encoded amino acid sequence of the PIK3CA protein. It affects a nucleotide within the consensus splice site. This variant is not present in population databases (gnomAD no frequency). This variant has not been reported in the literature in individuals affected with PIK3CA-related conditions. Variants that disrupt the consensus splice site are a relatively common cause of aberrant splicing (PMID: 17576681, 9536098). Algorithms developed to predict the effect of sequence changes on RNA splicing suggest that this variant is not likely to affect RNA splicing. In summary, the available evidence is currently insufficient to determine the role of this variant in disease. Therefore, it has been classified as a Variant of Uncertain Significance.

Literature cited by the submitters: PubMed 17576681; PubMed 9536098.